The following is an entry in ClinVar:

ClinVar aggregate classification (germline): Uncertain significance. Review status: criteria provided, multiple submitters, no conflicts (2 of 4 stars). 2 submissions from 2 submitters: Uncertain significance (2). Last evaluated 2026-02-17.

Conditions:
TTN-related disorder. Also called: TTN-related condition; TTN-related disease; TTN-related disorders.

Allele frequency attached by ClinVar (database versions not stated): gnomAD exomes below 0.00001 and 0.00001; ExAC 0.00002; gnomAD 0.00003 and 0.00004; TOPMed 0.00003.
gnomAD v4.1: 6 of 1,613,374 alleles (0.00037%); highest among the groups gnomAD compares: African/African-American, 0.008%; no homozygotes.

Submissions (2):

PreventionGenetics, part of Exact Sciences
Classification: Uncertain significance for TTN-related condition. Last evaluated: 2026-02-17. Review status: criteria provided, single submitter. Criteria: ACMG Guidelines, 2015. Collection method: clinical testing. Allele origin: germline.
Comment: The TTN c.18628G>A variant is predicted to result in the amino acid substitution p.Val6210Ile. To our knowledge, this variant has not been reported in the literature. This variant is reported in 0.012% of alleles in individuals of African descent in gnomAD. At this time, the clinical significance of this variant is uncertain due to the absence of conclusive functional and genetic evidence.

Biesecker Lab/Clinical Genomics Section, National Institutes of Health
Classification: Uncertain significance. Last evaluated: 2013-06-24. Review status: criteria provided, single submitter. Criteria: Ng et al. (Circ Cardiovasc Genet. 2013). Collection method: research. Allele origin: unknown. Observed: 1 variant allele. Study: ClinSeq.
Comment: The study set was not selected for affection status in relation to any cancer. Pathogenicity categories were based on literature curation. See Pubmed ID:23861362 for details.

Medical sequencing

NM_001267550.2(TTN):c.18628G>A (p.Val6210Ile)

Genes: TTN (titin; minus strand), LOC126806430 (BRD4-independent group 4 enhancer GRCh37_chr2:179593794-179594993; plus strand). Cytogenetic location: 2q31.2.
Variant type: single nucleotide variant.
Coding change: c.18628G>A on transcript NM_001267550.2 (MANE Select); coding-DNA position 18628, G replaced by A.
Protein change: p.Val6210Ile; replaces valine 6210 with isoleucine.
Molecular consequence: missense variant. On other transcripts: intron variant (3).
Genome position (GRCh38, 1-based): chr2:178,729,528, C>T on the plus strand (G>A on the coding strand, the complement: TTN is on the minus strand). VCF-style: chr2-178729528-C-T. GRCh37 (hg19) VCF-style: chr2-179594255-C-T.
Other names: c.17677G>A, p.Val5893Ile (NM_001256850.1); c.14896G>A, p.Val4966Ile (NM_133378.4); c.13282+8554G>A (NM_003319.4); c.13858+8554G>A (NM_133437.4); c.13657+8554G>A (NM_133432.3); short protein forms V4966I, V6210I, V5893I.
Identifiers: ClinVar variation 192023 (VCV000192023.2), dbSNP rs766360972, ClinGen allele CA238126.